The following is an entry in ClinVar:

ClinVar aggregate classification (germline): Uncertain significance (1 of 4 stars; one submission).

Conditions:
Immunodeficiency, common variable, 7. Identifiers: Orphanet 1572, Orphanet 696894, MedGen C3542922, MONDO:0013862, OMIM 614699.

Allele frequency attached by ClinVar (database versions not stated): TOPMed below 0.00001.

Submission:

Labcorp Genetics (formerly Invitae), Labcorp
Classification: Uncertain significance for Immunodeficiency, common variable, 7. Last evaluated: 2020-07-16. Review status: criteria provided, single submitter. Criteria: Invitae Variant Classification Sherloc (09022015). Collection method: clinical testing. Allele origin: germline.
Comment: In summary, the available evidence is currently insufficient to determine the role of this variant in disease. Therefore, it has been classified as a Variant of Uncertain Significance. Algorithms developed to predict the effect of missense changes on protein structure and function (SIFT, PolyPhen-2, Align-GVGD) all suggest that this variant is likely to be tolerated, but these predictions have not been confirmed by published functional studies and their clinical significance is uncertain. This variant has not been reported in the literature in individuals with CR2-related conditions. This variant is not present in population databases (ExAC no frequency). This sequence change replaces aspartic acid with glycine at codon 72 of the CR2 protein (p.Asp72Gly). The aspartic acid residue is weakly conserved and there is a moderate physicochemical difference between aspartic acid and glycine.

NM_001006658.3(CR2):c.215A>G (p.Asp72Gly)

Gene: CR2 (complement C3d receptor 2; plus strand). Cytogenetic location: 1q32.2.
Variant type: single nucleotide variant.
Coding change: c.215A>G on transcript NM_001006658.3 (MANE Select); coding-DNA position 215, A replaced by G.
Protein change: p.Asp72Gly; replaces aspartic acid 72 with glycine.
Molecular consequence: missense variant.
Genome position (GRCh38, 1-based): chr1:207,466,682, A>G. VCF-style: chr1-207466682-A-G. GRCh37 (hg19) VCF-style: chr1-207640027-A-G.
Other names: c.215A>G, p.Asp72Gly (NM_001877.5); short protein forms D72G.
Identifiers: ClinVar variation 1047314 (VCV001047314.8), dbSNP rs1438807962, ClinGen allele CA344523108.
Genomic context (GRCh38, chr1:207,466,682, plus strand): 5'-CAGGTACCTTCCGCCTCATTGGAGAAAAAAGTCTATTATGCATAACTAAAGACAAAGTGG[A>G]TGGAACCTGGGATAAACCTGCTCCTAAATGTGAATATTTCAATAAATATTCTTCTTGCCC-3'
Protein context (NP_001006659.1, residues 62-82): SLLCITKDKV[Asp72Gly]GTWDKPAPKC